The following is an entry in ClinVar:

NM_000492.4(CFTR):c.1619T>A (p.Val540Asp)

Genes: CFTR (CF transmembrane conductance regulator; plus strand), LOC111674475 (CFTR intron 11 enhancer; plus strand). Cytogenetic location: 7q31.2.
Variant type: single nucleotide variant.
Coding change: c.1619T>A on transcript NM_000492.4 (MANE Select); coding-DNA position 1619, T replaced by A.
Protein change: p.Val540Asp; replaces valine 540 with aspartic acid.
Molecular consequence: missense variant.
Genome position (GRCh38, 1-based): chr7:117,587,773, T>A. VCF-style: chr7-117587773-T-A. GRCh37 (hg19) VCF-style: chr7-117227827-T-A.
Other names: short protein forms V540D.
Identifiers: ClinVar variation 3491634 (VCV003491634.1).
Genomic context (GRCh38, chr7:117,587,773, plus strand): 5'-CTCTAATTTTCTATTTTTGGTAATAGGACATCTCCAAGTTTGCAGAGAAAGACAATATAG[T>A]TCTTGGAGAAGGTGGAATCACACTGAGTGGAGGTCAACGAGCAAGAATTTCTTTAGCAAG-3'
Protein context (NP_000483.3, residues 530-550): ISKFAEKDNI[Val540Asp]LGEGGITLSG

ClinVar aggregate classification (germline): Uncertain significance (1 of 4 stars; one submission).

Conditions:
Cystic fibrosis (CF). Also called: MUCOVISCIDOSIS. Identifiers: Orphanet 586, MedGen C0010674, MONDO:0009061, OMIM 219700. Disease mechanism: loss of function.

Submission:

Ambry Genetics
Classification: Uncertain significance for Cystic fibrosis. Last evaluated: 2024-08-05. Review status: criteria provided, single submitter. Criteria: Ambry Variant Classification Scheme 2023. Collection method: clinical testing. Allele origin: germline.
Comment: The p.V540D variant (also known as c.1619T>A), located in coding exon 12 of the CFTR gene, results from a T to A substitution at nucleotide position 1619. The valine at codon 540 is replaced by aspartic acid, an amino acid with highly dissimilar properties. This amino acid position is well conserved in available vertebrate species. In addition, this alteration is predicted to be deleterious by in silico analysis. Based on the available evidence, the clinical significance of this variant remains unclear.